The following is an entry in ClinVar:

NM_001356.5(DDX3X):c.1747A>G (p.Ser583Gly)

Gene: DDX3X (DEAD-box helicase 3 X-linked; plus strand). Cytogenetic location: Xp11.4.
Variant type: single nucleotide variant.
Coding change: c.1747A>G on transcript NM_001356.5 (MANE Select); coding-DNA position 1747, A replaced by G.
Protein change: p.Ser583Gly; replaces serine 583 with glycine.
Molecular consequence: missense variant. On other transcripts: non-coding transcript variant (1).
Genome position (GRCh38, 1-based): chrX:41,346,990, A>G. VCF-style: chrX-41346990-A-G. GRCh37 (hg19) VCF-style: chrX-41206243-A-G.
Other names: c.1747A>G, p.Ser583Gly (NM_001193416.3); c.1699A>G, p.Ser567Gly (NM_001193417.3); c.1189A>G, p.Ser397Gly (NM_001363819.1); short protein forms S397G, S567G, S583G.
Identifiers: ClinVar variation 3036845 (VCV003036845.2), dbSNP rs2519525891, ClinGen allele CA412778136.

ClinVar aggregate classification (germline): Uncertain significance (0 of 4 stars; one submission).

Conditions:
DDX3X-related disorder. Also called: DDX3X-related condition.

Allele frequency attached by ClinVar (database versions not stated): gnomAD exomes below 0.00001.
gnomAD v4.1: 1 of 1,210,221 alleles (0.000083%); highest among the groups gnomAD compares: Non-Finnish European, 0.00011%; no homozygotes.

Submission:

PreventionGenetics, part of Exact Sciences
Classification: Uncertain significance for DDX3X-related condition. Last evaluated: 2024-01-04. Review status: no assertion criteria provided. Collection method: clinical testing. Allele origin: germline.
Comment: The DDX3X c.1747A>G variant is predicted to result in the amino acid substitution p.Ser583Gly. To our knowledge, this variant has not been reported in the literature or in a large population database, indicating this variant is rare. At this time, the clinical significance of this variant is uncertain due to the absence of conclusive functional and genetic evidence.